The following is an entry in ClinVar:

ClinVar aggregate classification (germline): Likely pathogenic. Review status: criteria provided, multiple submitters, no conflicts (2 of 4 stars). 2 submissions from 2 submitters: Likely pathogenic (2). Last evaluated 2018-01-16.

Conditions:
Roussy-Lévy syndrome. Also called: Roussy-Levy Syndrome; Roussy Levy hereditary areflexic dystasia; Roussy-Levy disease; Hereditary areflexic dystasia. Identifiers: Orphanet 3115, MedGen C0205713, MONDO:0008392, OMIM 180800.
Dejerine-Sottas disease. Also called: HEREDITARY MOTOR AND SENSORY NEUROPATHY TYPE III; HMSN Type III; Charcot-Marie-Tooth disease type 3; DEJERINE-SOTTAS NEUROPATHY; Hereditary motor and sensory neuropathy 3. Identifiers: Orphanet 64748, MedGen C0011195, MONDO:0007790, OMIM 145900.
Neuropathy, congenital hypomyelinating, 2. Identifiers: MedGen C4722277, MONDO:0020765, OMIM 618184.
Charcot-Marie-Tooth disease dominant intermediate D. Also called: Charcot-Marie-Tooth disease dominant intermediate 3; CMT DI3; CHARCOT-MARIE-TOOTH NEUROPATHY, DOMINANT INTERMEDIATE D. Identifiers: Orphanet 100046, MedGen C1843075, MONDO:0011909, OMIM 607791.
Charcot-Marie-Tooth disease type 2I (CMT2I). Also called: CHARCOT-MARIE-TOOTH DISEASE, AXONAL, TYPE 2I. Identifiers: Orphanet 99942, MedGen C3888087, MONDO:0011889, OMIM 607677.
Charcot-Marie-Tooth disease type 2J (CMT2J). Also called: CHARCOT-MARIE-TOOTH DISEASE, AXONAL, TYPE 2J; CHARCOT-MARIE-TOOTH DISEASE, TYPE 2, WITH HEARING LOSS AND PUPILLARY ABNORMALITIES; CHARCOT-MARIE-TOOTH NEUROPATHY, TYPE 2J. Identifiers: Orphanet 99943, MedGen C1843153, MONDO:0011903, OMIM 607736.
Charcot-Marie-Tooth disease type 1B. Also called: HEREDITARY MOTOR AND SENSORY NEUROPATHY I; HEREDITARY MOTOR AND SENSORY NEUROPATHY IB; PERONEAL MUSCULAR ATROPHY; Charcot-Marie-Tooth disease, demyelinating, type 1b; Hereditary motor and sensory neuropathy 1B; Charcot-Marie-Tooth disease, type IB. Identifiers: Orphanet 101082, MedGen C0270912, MONDO:0007307, OMIM 118200.
Charcot-Marie-Tooth disease, type I (CMT1). Also called: Charcot-Marie-Tooth disease type 1; Charcot-Marie-Tooth, Type 1. Identifiers: Orphanet 65753, MedGen C0751036, MONDO:0019011.

Submissions (2):

Labcorp Genetics (formerly Invitae), Labcorp
Classification: Likely pathogenic for Charcot-Marie-Tooth disease, type I. Last evaluated: 2018-01-16. Review status: criteria provided, single submitter. Criteria: Invitae Variant Classification Sherloc (09022015). Collection method: clinical testing. Allele origin: germline.
Comment: This sequence change replaces proline with alanine at codon 133 of the MPZ protein (p.Pro133Ala). The proline residue is highly conserved and there is a small physicochemical difference between proline and alanine. In summary, the currently available evidence indicates that the variant is pathogenic, but additional data are needed to prove that conclusively. Therefore, this variant has been classified as Likely Pathogenic. A different missense substitution at this codon (p.Pro133Ser) has been determined to be likely pathogenic (PMID: 22433810, Invitae). This suggests that the proline residue is critical for MPZ protein function and that other missense substitutions at this position may also be pathogenic. Algorithms developed to predict the effect of missense changes on protein structure and function (SIFT, PolyPhen-2, Align-GVGD) all suggest that this variant is likely to be disruptive, but these predictions have not been confirmed by published functional studies and their clinical significance is uncertain. This variant has been reported in individuals affected with infantile-onset Charcot-Marie-Tooth disease (PMID: 26310628, Invitae). This variant is not present in population databases (ExAC no frequency).

Juno Genomics, Hangzhou Juno Genomics, Inc
Classification: Likely pathogenic for Charcot-Marie-Tooth disease dominant intermediate D; Charcot-Marie-Tooth disease type 1B; Charcot-Marie-Tooth disease type 2I; Charcot-Marie-Tooth disease type 2J; Dejerine-Sottas disease; Neuropathy, congenital hypomyelinating, 2; Roussy-Lévy syndrome. Review status: criteria provided, single submitter. Criteria: ACMG Guidelines, 2015. Collection method: clinical testing. Allele origin: germline. Affected: yes.
Comment: Absent from controls (or at extremely low frequency if recessive) in Genome Aggregation Database, Exome Sequencing Project, 1000 Genomes Project, or Exome Aggregation Consortium.;Multiple lines of computational evidence support a deleterious effect on the gene or gene product (conservation, evolutionary, splicing impact, etc).;Novel missense change at an amino acid residue where a different missense change determined to be pathogenic has been seen before.;Located in a mutational hot spot and/or critical and well-established functional domain (e.g. active site of an enzyme) without benign variation.;Patient's phenotype or family history is highly specific for a disease with a single genetic etiology.

Literature cited by the submitters: PubMed 22433810 (cited by Labcorp Genetics (formerly Invitae), Labcorp); PubMed 26310628 (cited by Labcorp Genetics (formerly Invitae), Labcorp).

NM_000530.8(MPZ):c.397C>G (p.Pro133Ala)

Gene: MPZ (myelin protein zero; minus strand). Cytogenetic location: 1q23.3.
Variant type: single nucleotide variant.
Coding change: c.397C>G on transcript NM_000530.8 (MANE Select); coding-DNA position 397, C replaced by G.
Protein change: p.Pro133Ala; replaces proline 133 with alanine.
Molecular consequence: missense variant.
Genome position (GRCh38, 1-based): chr1:161,306,759, G>C on the plus strand (C>G on the coding strand, the complement: MPZ is on the minus strand). VCF-style: chr1-161306759-G-C. GRCh37 (hg19) VCF-style: chr1-161276549-G-C.
Other names: c.397C>G (LRG_256t1); c.397C>G, p.Pro133Ala (NM_001315491.2); short protein forms P133A.
Identifiers: ClinVar variation 578468 (VCV000578468.9), dbSNP rs1553259648, ClinGen allele CA343348711.